The following is an entry in ClinVar:

ClinVar aggregate classification (germline): Uncertain significance. Review status: criteria provided, multiple submitters, no conflicts (2 of 4 stars). 6 submissions from 6 submitters: Uncertain significance (5). 1 of the submissions does not count toward it. Last evaluated 2026-03-26.

Conditions:
Hereditary cancer-predisposing syndrome. Also called: Neoplastic Syndromes, Hereditary; Hereditary Cancer Syndrome; Tumor predisposition; Hereditary neoplastic syndrome. Identifiers: Orphanet 140162, MedGen C0027672, MeSH D009386, MONDO:0015356.
Ataxia-telangiectasia syndrome (AT). Also called: Ataxia-telangiectasia, complementation group D; AT, COMPLEMENTATION GROUP C; Ataxia-telangiectasia; ATAXIA-TELANGIECTASIA, COMPLEMENTATION GROUP A; ATAXIA-TELANGIECTASIA, FRESNO VARIANT; Ataxia-telangiectasia, complementation group E. Identifiers: Orphanet 100, MedGen C0004135, MONDO:0008840, OMIM 208900.
Familial cancer of breast. Also called: BREAST CANCER, FAMILIAL; hereditary breast carcinoma; Hereditary breast cancer. Identifiers: Orphanet 227535, MedGen C0346153, MONDO:0016419, OMIM 114480. Disease mechanism: loss of function.

Allele frequency attached by ClinVar (database versions not stated): gnomAD exomes below 0.00001; TOPMed 0.00001; gnomAD 0.00001.
gnomAD v4.1: 4 of 1,605,254 alleles (0.00025%); highest among the groups gnomAD compares: East Asian, 0.0022%; no homozygotes.

Submissions (6):

Ambry Genetics
Classification: Uncertain significance for Hereditary cancer-predisposing syndrome. Last evaluated: 2026-03-26. Review status: criteria provided, single submitter. Criteria: Ambry Variant Classification Scheme 2023. Collection method: clinical testing. Allele origin: germline.

Labcorp Genetics (formerly Invitae), Labcorp
Classification: Uncertain significance for Ataxia-telangiectasia syndrome. Last evaluated: 2026-01-04. Review status: criteria provided, single submitter. Criteria: Invitae Variant Classification Sherloc (09022015). Collection method: clinical testing. Allele origin: germline.
Comment: This sequence change replaces threonine, which is neutral and polar, with isoleucine, which is neutral and non-polar, at codon 2754 of the ATM protein (p.Thr2754Ile). This variant is present in population databases (rs587779871, gnomAD 0.007%). This missense change has been observed in individual(s) with colorectal cancer (PMID: 27978560). ClinVar contains an entry for this variant (Variation ID: 127457). Invitae Evidence Modeling of protein sequence and biophysical properties (such as structural, functional, and spatial information, amino acid conservation, physicochemical variation, residue mobility, and thermodynamic stability) has been performed for this missense variant. However, the output from this modeling did not meet the statistical confidence thresholds required to predict the impact of this variant on ATM protein function. In summary, the available evidence is currently insufficient to determine the role of this variant in disease. Therefore, it has been classified as a Variant of Uncertain Significance.

Color Diagnostics, LLC DBA Color Health
Classification: Uncertain significance for Hereditary cancer-predisposing syndrome. Last evaluated: 2025-07-08. Review status: criteria provided, single submitter. Criteria: ACMG Guidelines, 2015. Collection method: clinical testing. Allele origin: germline.
Comment: This missense variant replaces threonine with isoleucine at codon 2754 of the ATM protein. Computational prediction is inconclusive regarding the impact of this variant on protein structure and function. To our knowledge, functional studies have not been reported for this variant. This variant has not been reported in individuals affected with ATM-related disorders in the literature. This variant has been identified in 1/31352 chromosomes in the general population by the Genome Aggregation Database (gnomAD). The available evidence is insufficient to determine the role of this variant in disease conclusively. Therefore, this variant is classified as a Variant of Uncertain Significance.

Baylor Genetics
Classification: Uncertain significance for Familial cancer of breast. Last evaluated: 2024-02-20. Review status: criteria provided, single submitter. Criteria: ACMG Guidelines, 2015. Collection method: clinical testing. Allele origin: unknown.

GeneDx
Classification: Uncertain significance. Last evaluated: 2019-03-22. Review status: criteria provided, single submitter. Criteria: GeneDx Variant Classification Process June 2021. Collection method: clinical testing. Allele origin: germline. Affected: yes.
Comment: Not observed at a significant frequency in large population cohorts (Lek 2016); In silico analysis, which includes protein predictors and evolutionary conservation, supports a deleterious effect; Observed in individuals with colorectal cancer (Pearlman 2017); This variant is associated with the following publications: (PMID: 27978560)

Counsyl
Classification: Uncertain significance for Ataxia-telangiectasia syndrome. Last evaluated: 2018-05-11. Review status: no assertion criteria provided. Collection method: clinical testing. Allele origin: unknown. Not counted in ClinVar's aggregate classification.

Literature cited by the submitters: PubMed 27978560 (cited by Labcorp Genetics (formerly Invitae), Labcorp).

NM_000051.4(ATM):c.8261C>T (p.Thr2754Ile)

Genes: ATM (ATM serine/threonine kinase; plus strand), C11orf65 (chromosome 11 open reading frame 65; minus strand). Cytogenetic location: 11q22.3.
Variant type: single nucleotide variant.
Coding change: c.8261C>T on transcript NM_000051.4 (MANE Select); coding-DNA position 8261, C replaced by T.
Protein change: p.Thr2754Ile; replaces threonine 2754 with isoleucine.
Molecular consequence: missense variant. On other transcripts: intron variant (2).
Genome position (GRCh38, 1-based): chr11:108,335,954, C>T. VCF-style: chr11-108335954-C-T. GRCh37 (hg19) VCF-style: chr11-108206681-C-T.
Other names: p.T2754I:ACT>ATT; c.8261C>T, p.Thr2754Ile (NM_001351834.2); c.641-26883G>A (NM_001330368.2); c.695-662G>A (NM_001351110.2); short protein forms T2754I.
Identifiers: ClinVar variation 127457 (VCV000127457.23), dbSNP rs587779871, ClinGen allele CA287015.